The following is an entry in ClinVar:

NM_004168.4(SDHA):c.666G>T (p.Leu222Phe)

Gene: SDHA (succinate dehydrogenase complex flavoprotein subunit A; plus strand). Cytogenetic location: 5p15.33.
Variant type: single nucleotide variant.
Coding change: c.666G>T on transcript NM_004168.4 (MANE Select); coding-DNA position 666, G replaced by T.
Protein change: p.Leu222Phe; replaces leucine 222 with phenylalanine.
Molecular consequence: missense variant.
Genome position (GRCh38, 1-based): chr5:228,229, G>T. VCF-style: chr5-228229-G-T. GRCh37 (hg19) VCF-style: chr5-228344-G-T.
Other names: c.522G>T, p.Leu174Phe (NM_001294332.2); c.666G>T, p.Leu222Phe (NM_001330758.2); short protein forms L222F, L174F.
Identifiers: ClinVar variation 412347 (VCV000412347.11), dbSNP rs778256616, ClinGen allele CA3172940.

ClinVar aggregate classification (germline): Uncertain significance. Review status: criteria provided, multiple submitters, no conflicts (2 of 4 stars). 3 submissions from 3 submitters: Uncertain significance (3). Last evaluated 2025-10-13.

Conditions:
Mitochondrial complex II deficiency, nuclear type 1. Also called: SUCCINATE CoQ REDUCTASE DEFICIENCY. Identifiers: Orphanet 3208, MedGen C5700310, MONDO:0100294, OMIM 252011.
Pheochromocytoma/paraganglioma syndrome 5. Also called: SDHA-Related Hereditary Paraganglioma-Pheochromocytoma Syndrome; Paragangliomas 5. Identifiers: Orphanet 29072, MedGen C3279992, MONDO:0013602, OMIM 614165.
Hereditary cancer-predisposing syndrome. Also called: Neoplastic Syndromes, Hereditary; Hereditary Cancer Syndrome; Tumor predisposition; Hereditary neoplastic syndrome. Identifiers: Orphanet 140162, MedGen C0027672, MeSH D009386, MONDO:0015356.

Allele frequency attached by ClinVar (database versions not stated): gnomAD exomes 0.00001; ExAC 0.00002.
gnomAD v4.1: 3 of 1,613,562 alleles (0.00019%); highest among the groups gnomAD compares: Non-Finnish European, 0.00025%; no homozygotes.

Submissions (3):

Labcorp Genetics (formerly Invitae), Labcorp
Classification: Uncertain significance for Pheochromocytoma/paraganglioma syndrome 5; Mitochondrial complex II deficiency, nuclear type 1. Last evaluated: 2025-10-13. Review status: criteria provided, single submitter. Criteria: Invitae Variant Classification Sherloc (09022015). Collection method: clinical testing. Allele origin: germline.
Comment: This sequence change replaces leucine, which is neutral and non-polar, with phenylalanine, which is neutral and non-polar, at codon 222 of the SDHA protein (p.Leu222Phe). This variant is present in population databases (rs778256616, gnomAD 0.003%). This variant has not been reported in the literature in individuals affected with SDHA-related conditions. ClinVar contains an entry for this variant (Variation ID: 412347). Invitae Evidence Modeling of protein sequence and biophysical properties (such as structural, functional, and spatial information, amino acid conservation, physicochemical variation, residue mobility, and thermodynamic stability) has been performed for this missense variant. However, the output from this modeling did not meet the statistical confidence thresholds required to predict the impact of this variant on SDHA protein function. In summary, the available evidence is currently insufficient to determine the role of this variant in disease. Therefore, it has been classified as a Variant of Uncertain Significance.

Ambry Genetics
Classification: Uncertain significance for Hereditary cancer-predisposing syndrome. Last evaluated: 2024-10-28. Review status: criteria provided, single submitter. Criteria: Ambry Variant Classification Scheme 2023. Collection method: clinical testing. Allele origin: germline.
Comment: The p.L222F variant (also known as c.666G>T), located in coding exon 6 of the SDHA gene, results from a G to T substitution at nucleotide position 666. The leucine at codon 222 is replaced by phenylalanine, an amino acid with highly similar properties. This amino acid position is conserved. In addition, this alteration is predicted to be deleterious by in silico analysis. Based on the available evidence, the clinical significance of this variant remains unclear.

GeneDx
Classification: Uncertain significance. Last evaluated: 2022-04-18. Review status: criteria provided, single submitter. Criteria: GeneDx Variant Classification Process June 2021. Collection method: clinical testing. Allele origin: germline. Affected: yes.
Comment: Not observed at significant frequency in large population cohorts (gnomAD); In silico analysis supports that this missense variant has a deleterious effect on protein structure/function; Has not been previously published as pathogenic or benign to our knowledge